The following is an entry in ClinVar:

ClinVar aggregate classification (germline): Uncertain significance. Review status: criteria provided, multiple submitters, no conflicts (2 of 4 stars). 3 submissions from 3 submitters: Uncertain significance (3). Last evaluated 2024-05-22.

Conditions:
Hereditary cancer-predisposing syndrome. Also called: Hereditary neoplastic syndrome; Hereditary Cancer Syndrome; Neoplastic Syndromes, Hereditary; Tumor predisposition. Identifiers: Orphanet 140162, MedGen C0027672, MeSH D009386, MONDO:0015356.
Ataxia-telangiectasia syndrome (AT). Also called: Ataxia-telangiectasia, complementation group D; Cerebello-oculocutaneous telangiectasia; Immunodeficiency with ataxia telangiectasia; ATAXIA-TELANGIECTASIA, COMPLEMENTATION GROUP A; ATAXIA-TELANGIECTASIA, FRESNO VARIANT; LOUIS-BAR SYNDROME. Identifiers: Orphanet 100, MedGen C0004135, MONDO:0008840, OMIM 208900.

Submissions (3):

Labcorp Genetics (formerly Invitae), Labcorp
Classification: Uncertain significance for Ataxia-telangiectasia syndrome. Last evaluated: 2024-05-22. Review status: criteria provided, single submitter. Criteria: Invitae Variant Classification Sherloc (09022015). Collection method: clinical testing. Allele origin: germline.
Comment: This sequence change replaces leucine, which is neutral and non-polar, with serine, which is neutral and polar, at codon 906 of the ATM protein (p.Leu906Ser). This variant is not present in population databases (gnomAD no frequency). This variant has not been reported in the literature in individuals affected with ATM-related conditions. ClinVar contains an entry for this variant (Variation ID: 420763). An algorithm developed to predict the effect of missense changes on protein structure and function (PolyPhen-2) suggests that this variant is likely to be tolerated. In summary, the available evidence is currently insufficient to determine the role of this variant in disease. Therefore, it has been classified as a Variant of Uncertain Significance.

Ambry Genetics
Classification: Uncertain significance for Hereditary cancer-predisposing syndrome. Last evaluated: 2022-12-18. Review status: criteria provided, single submitter. Criteria: Ambry Variant Classification Scheme 2023. Collection method: clinical testing. Allele origin: germline.
Comment: The p.L906S variant (also known as c.2717T>C), located in coding exon 17 of the ATM gene, results from a T to C substitution at nucleotide position 2717. The leucine at codon 906 is replaced by serine, an amino acid with dissimilar properties. This amino acid position is poorly conserved in available vertebrate species. In addition, this alteration is predicted to be tolerated by in silico analysis. Since supporting evidence is limited at this time, the clinical significance of this alteration remains unclear.

GeneDx
Classification: Uncertain significance. Last evaluated: 2016-10-28. Review status: criteria provided, single submitter. Criteria: GeneDx Variant Classification (06012015). Collection method: clinical testing. Allele origin: germline. Affected: yes.
Comment: This variant is denoted ATM c.2717T>C at the cDNA level, p.Leu906Ser (L906S) at the protein level, and results in the change of a Leucine to a Serine (TTG>TCG). This variant has not, to our knowledge, been published in the literature as pathogenic or benign. ATM Leu906Ser was not observed in approximately 6,500 individuals of European and African American ancestry in the NHLBI Exome Sequencing Project, suggesting it is not a common benign variant in these populations. Since Leucine and Serine differ in polarity, charge, size or other properties, this is considered a non-conservative amino acid substitution. ATM Leu906Ser occurs at a position where amino acids with properties similar to Leucine are tolerated across species and is not located in a known functional domain (Tavtigian 2009, Stracker 2013). In silico analyses predict that this variant is unlikely to alter protein structure or function. Based on currently available evidence, it is unclear whether ATM Leu906Ser is a pathogenic or benign variant. We consider it to be a variant of uncertain significance.

NM_000051.4(ATM):c.2717T>C (p.Leu906Ser)

Gene: ATM (ATM serine/threonine kinase; plus strand). Cytogenetic location: 11q22.3.
Variant type: single nucleotide variant.
Coding change: c.2717T>C on transcript NM_000051.4 (MANE Select); coding-DNA position 2717, T replaced by C.
Protein change: p.Leu906Ser; replaces leucine 906 with serine.
Molecular consequence: missense variant.
Genome position (GRCh38, 1-based): chr11:108,268,488, T>C. VCF-style: chr11-108268488-T-C. GRCh37 (hg19) VCF-style: chr11-108139215-T-C.
Other names: c.2717T>C, p.Leu906Ser (NM_001351834.2); short protein forms L906S.
Identifiers: ClinVar variation 420763 (VCV000420763.13), dbSNP rs1064794688, ClinGen allele CA16619146.
Genomic context (GRCh38, chr11:108,268,488, plus strand): 5'-CTGAAGAATATCTGTCAAAGCAAGATCTACTTTTCTTAGACATGCTCAAGTTCTTGTGTT[T>C]GTGTGTAACTACTGCTCAGACCAATACTGTGTCCTTTAGGGCAGCTGATATTCGGAGGAA-3'
Protein context (NP_000042.3, residues 896-916): LFLDMLKFLC[Leu906Ser]CVTTAQTNTV